The following is an entry in ClinVar:

ClinVar aggregate classification (germline): Pathogenic (1 of 4 stars; one submission).

Conditions:
Hereditary cancer-predisposing syndrome. Also called: Neoplastic Syndromes, Hereditary; Tumor predisposition; Hereditary neoplastic syndrome; Hereditary Cancer Syndrome. Identifiers: Orphanet 140162, MedGen C0027672, MeSH D009386, MONDO:0015356.

Submission:

Ambry Genetics
Classification: Pathogenic for Hereditary cancer-predisposing syndrome. Last evaluated: 2018-09-10. Review status: criteria provided, single submitter. Criteria: Ambry Variant Classification Scheme 2023. Collection method: clinical testing. Allele origin: germline.
Comment: The p.R162* pathogenic mutation (also known as c.484A>T), located in coding exon 5 of the SDHA gene, results from an A to T substitution at nucleotide position 484. This changes the amino acid from an arginine to a stop codon within coding exon 5. This alteration is expected to result in loss of function by premature protein truncation or nonsense-mediated mRNA decay. As such, this alteration is interpreted as a disease-causing mutation.

NM_004168.4(SDHA):c.484A>T (p.Arg162Ter)

Gene: SDHA (succinate dehydrogenase complex flavoprotein subunit A; plus strand). Cytogenetic location: 5p15.33.
Variant type: single nucleotide variant.
Coding change: c.484A>T on transcript NM_004168.4 (MANE Select); coding-DNA position 484, A replaced by T.
Protein change: p.Arg162Ter; replaces arginine 162 with a stop codon.
Molecular consequence: nonsense.
Genome position (GRCh38, 1-based): chr5:225,910, A>T. VCF-style: chr5-225910-A-T. GRCh37 (hg19) VCF-style: chr5-226025-A-T.
Other names: c.340A>T, p.Arg114Ter (NM_001294332.2); c.484A>T, p.Arg162Ter (NM_001330758.2); short protein forms R114*, R162*.
Identifiers: ClinVar variation 825228 (VCV000825228.4), dbSNP rs1579385526, ClinGen allele CA359009947.
Genomic context (GRCh38, chr5:225,910, plus strand): 5'-GTTAAGGTTTTTGTTTGTTTTTATCTTTCACAGCTAGAAAATTATGGCATGCCGTTTAGC[A>T]GAACTGAAGATGGGAAGATTTATCAGCGTGCATTTGGTGGACAGAGCCTCAAGTTTGGAA-3'